The following is an entry in ClinVar:

NM_000059.4(BRCA2):c.8331+6_8331+7insCTCTTATGTTAAAGG

Gene: BRCA2 (BRCA2 DNA repair associated; plus strand). Cytogenetic location: 13q13.1.
Variant type: Insertion.
Coding change: c.8331+6_8331+7insCTCTTATGTTAAAGG on transcript NM_000059.4 (MANE Select); bases 6 to 7 of the intron after coding-DNA position 8331, CTCTTATGTTAAAGG inserted.
Molecular consequence: intron variant.
Genome position: GRCh38 VCF-style: chr13-32363539-T-TCTCTTATGTTAAAGG. GRCh37 (hg19) VCF-style: chr13-32937676-T-TCTCTTATGTTAAAGG.
Identifiers: ClinVar variation 2123123 (VCV002123123.5), dbSNP rs2548547119, ClinGen allele CA2580087512.

ClinVar aggregate classification (germline): Conflicting classifications of pathogenicity. Review status: criteria provided, conflicting classifications (1 of 4 stars). 2 submissions from 2 submitters: Uncertain significance (1); Likely benign (1). Last evaluated 2023-11-02.

Conditions:
Hereditary breast ovarian cancer syndrome. Also called: Breast and ovarian cancer; Hereditary breast and ovarian cancer; Hereditary breast and ovarian cancer syndrome; Hereditary breast and/or ovarian cancer syndrome; Hereditary breast and ovarian cancer syndrome (HBOC); BRCA1- and BRCA2-Associated Hereditary Breast and Ovarian Cancer. Identifiers: Orphanet 145, MedGen C0677776, MeSH D061325, MONDO:0003582. Disease mechanism: loss of function.
Breast-ovarian cancer, familial, susceptibility to, 2 (BROVCA2). Also called: BRCA2 Hereditary Breast and Ovarian Cancer. Identifiers: Orphanet 145, MedGen C2675520, MONDO:0012933, OMIM 612555. Disease mechanism: loss of function.

Submissions (2):

All of Us Research Program, National Institutes of Health
Classification: Uncertain significance for Breast-ovarian cancer, familial, susceptibility to, 2. Last evaluated: 2023-11-02. Review status: criteria provided, single submitter. Criteria: ACMG Guidelines, 2015. Collection method: clinical testing. Allele origin: germline. Inheritance: Autosomal dominant inheritance. Observed: 1 variant allele, 1 heterozygote.
Comment: This variant causes a 15 nucleotide insertion between the +6 and +7 positions in intron 18 of the BRCA2 gene. To our knowledge, functional studies have not been reported for this variant. This variant has not been reported in individuals affected with BRCA2-related disorders in the literature. This variant has not been identified in the general population by the Genome Aggregation Database (gnomAD). The available evidence is insufficient to determine the role of this variant in disease conclusively. Therefore, this variant is classified as a Variant of Uncertain Significance.

This study involves interpretation of variants in research participants for the purpose of population health screening. Participant phenotype was not available at the time of variant classification. Additional details can be found in publication PMID: 35346344, PMCID: PMC8962531

Labcorp Genetics (formerly Invitae), Labcorp
Classification: Likely benign for Hereditary breast ovarian cancer syndrome. Last evaluated: 2023-01-13. Review status: criteria provided, single submitter. Criteria: Invitae Variant Classification Sherloc (09022015). Collection method: clinical testing. Allele origin: germline.